The following is an entry in ClinVar:

ClinVar aggregate classification (germline): Uncertain significance (1 of 4 stars; one submission).

Conditions:
Hereditary spastic paraplegia 11. Also called: Spastic paraplegia, mental retardation and thin corpus callosum; Nakamura Osame syndrome; Autosomal recessive hereditary spastic paraplegia, mental impairment, and thin corpus callosum; SPASTIC PARAPLEGIA, AUTOSOMAL RECESSIVE, COMPLICATED, WITH THIN CORPUS CALLOSUM; SPASTIC PARAPLEGIA, AUTOSOMAL RECESSIVE, WITH MENTAL IMPAIRMENT AND THIN CORPUS CALLOSUM; Spastic Paraplegia 11. Identifiers: Orphanet 2822, MedGen C1858479, MONDO:0011445, OMIM 604360.

Submission:

Clinical Omics and Informatics (COIN) Unit, Neuroscience Institute, University Of Cape Town
Classification: Uncertain significance for Hereditary spastic paraplegia 11. Last evaluated: 2024-05-22. Review status: criteria provided, single submitter. Criteria: ACMG Guidelines, 2015. Collection method: research. Allele origin: germline. Inheritance: Autosomal recessive inheritance. Affected: yes. Observed: 1 variant allele, 1 homozygote.
Comment: PM2_supporting:This variant is absent from gnomAD v4.0 (adequate coverage >20x confirmed) and an internal database of 1074 control alleles. PP3 met: REVEL score is 0.651.

Literature cited by the submitters: PubMed 37712079.

NM_025137.4(SPG11):c.1313T>C (p.Leu438Pro)

Gene: SPG11 (SPG11 vesicle trafficking associated, spatacsin; minus strand). Cytogenetic location: 15q21.1.
Variant type: single nucleotide variant.
Coding change: c.1313T>C on transcript NM_025137.4 (MANE Select); coding-DNA position 1313, T replaced by C.
Protein change: p.Leu438Pro; replaces leucine 438 with proline.
Molecular consequence: missense variant.
Genome position (GRCh38, 1-based): chr15:44,651,634, A>G on the plus strand (T>C on the coding strand, the complement: SPG11 is on the minus strand). VCF-style: chr15-44651634-A-G. GRCh37 (hg19) VCF-style: chr15-44943832-A-G.
Other names: c.1313T>C, p.Leu438Pro (NM_001160227.2, NM_001411132.1); short protein forms L438P.
Identifiers: ClinVar variation 2504616 (VCV002504616.6), dbSNP rs2505726002, ClinGen allele CA392236119.